The following is an entry in ClinVar:

NM_018062.4(FANCL):c.229T>C (p.Ser77Pro)

Gene: FANCL (FA complementation group L; minus strand). Cytogenetic location: 2p16.1.
Variant type: single nucleotide variant.
Coding change: c.229T>C on transcript NM_018062.4 (MANE Select); coding-DNA position 229, T replaced by C.
Protein change: p.Ser77Pro; replaces serine 77 with proline.
Molecular consequence: missense variant.
Genome position (GRCh38, 1-based): chr2:58,226,772, A>G on the plus strand (T>C on the coding strand, the complement: FANCL is on the minus strand). VCF-style: chr2-58226772-A-G. GRCh37 (hg19) VCF-style: chr2-58453907-A-G.
Other names: c.229T>C, p.Ser77Pro (NM_001114636.2, NM_001374615.1, NM_001410792.1); short protein forms S77P.
Identifiers: ClinVar variation 2765449 (VCV002765449.3), dbSNP rs2467484737, ClinGen allele CA347034702.

ClinVar aggregate classification (germline): Uncertain significance (1 of 4 stars; one submission).

Conditions:
Fanconi anemia (FA). Also called: Fanconi's anemia. Identifiers: Orphanet 84, MedGen C0015625, MeSH D005199, MONDO:0019391.

Submission:

Labcorp Genetics (formerly Invitae), Labcorp
Classification: Uncertain significance for Fanconi anemia. Last evaluated: 2023-06-04. Review status: criteria provided, single submitter. Criteria: Invitae Variant Classification Sherloc (09022015). Collection method: clinical testing. Allele origin: germline.
Comment: This sequence change replaces serine, which is neutral and polar, with proline, which is neutral and non-polar, at codon 77 of the FANCL protein (p.Ser77Pro). In summary, the available evidence is currently insufficient to determine the role of this variant in disease. Therefore, it has been classified as a Variant of Uncertain Significance. Advanced modeling of protein sequence and biophysical properties (such as structural, functional, and spatial information, amino acid conservation, physicochemical variation, residue mobility, and thermodynamic stability) performed at Invitae indicates that this missense variant is expected to disrupt FANCL protein function. This variant has not been reported in the literature in individuals affected with FANCL-related conditions. This variant is not present in population databases (gnomAD no frequency).